The following is an entry in ClinVar:

NM_000245.4(MET):c.3028+1G>T

Gene: MET (MET proto-oncogene, receptor tyrosine kinase; plus strand). Cytogenetic location: 7q31.2.
Variant type: single nucleotide variant.
Coding change: c.3028+1G>T on transcript NM_000245.4 (MANE Select); the canonical splice donor site of the intron after coding-DNA position 3028, G replaced by T.
Molecular consequence: splice donor variant.
Genome position (GRCh38, 1-based): chr7:116,771,990, G>T. VCF-style: chr7-116771990-G-T. GRCh37 (hg19) VCF-style: chr7-116412044-G-T.
Other names: IVS14, G-T, +1; c.3082+1G>T (NM_001127500.3); c.1738+1G>T (NM_001324402.2).
Identifiers: ClinVar variation 225227 (VCV000225227.7), dbSNP rs869320707, ClinGen allele CA358887.

ClinVar aggregate classification (germline): Uncertain significance. Review status: criteria provided, single submitter (1 of 4 stars). 2 submissions from 2 submitters: Uncertain significance (1). 1 of the submissions does not count toward it. Last evaluated 2025-08-13.

Conditions:
Osteofibrous dysplasia (OSFD). Also called: Tibia, bowing of, with pseudarthrosis and pectus excavatum. Identifiers: Orphanet 488265, MedGen C4085248, MONDO:0011806, OMIM 607278.
Renal cell carcinoma. Identifiers: Orphanet 217071, MedGen C0007134, MeSH D002292, MONDO:0005086, HP:0005584.

Submissions (3):

Labcorp Genetics (formerly Invitae), Labcorp
Classification: Uncertain significance for Renal cell carcinoma. Last evaluated: 2025-08-13. Review status: criteria provided, single submitter. Criteria: Invitae Variant Classification Sherloc (09022015). Collection method: clinical testing. Allele origin: germline.
Comment: This sequence change affects a donor splice site in intron 14 of the MET gene. It is expected to disrupt RNA splicing. Variants that disrupt the donor or acceptor splice site typically lead to a loss of protein function (PMID: 16199547), however the current clinical and genetic evidence is not sufficient to establish whether loss-of-function variants in MET cause disease. This variant is not present in population databases (gnomAD no frequency). This variant has not been reported in the literature in individuals affected with MET-related conditions. This variant is also known as c.3028+1G>T. ClinVar contains an entry for this variant (Variation ID: 225227). Algorithms developed to predict the effect of sequence changes on RNA splicing suggest that this variant may disrupt the consensus splice site. In summary, the available evidence is currently insufficient to determine the role of this variant in disease. Therefore, it has been classified as a Variant of Uncertain Significance.

OMIM
Classification: risk factor for OSTEOFIBROUS DYSPLASIA, SUSCEPTIBILITY TO. Last evaluated: 2016-08-23. Review status: no assertion criteria provided. Collection method: literature only. Allele origin: germline. Not counted in ClinVar's aggregate classification.

MutSpliceDB: a database of splice sites variants effects on splicing, NIH
No classification provided (evidence only). Review status: no classification provided. Collection method: in vivo. Allele origin: not applicable. Functional consequence: skipped exon. Not counted in ClinVar's aggregate classification.

Literature cited by the submitters: PubMed 16199547 (cited by Labcorp Genetics (formerly Invitae), Labcorp); PubMed 16203897 (cited by OMIM); PubMed 26637977 (cited by OMIM); PubMed 9234973 (cited by OMIM).